The following is an entry in ClinVar:

ClinVar aggregate classification (germline): Uncertain significance. Review status: criteria provided, multiple submitters, no conflicts (2 of 4 stars). 4 submissions from 4 submitters: Uncertain significance (4). Last evaluated 2023-04-05.

Conditions:
Warburg micro syndrome 1 (WARBM1). Identifiers: Orphanet 2510, MedGen C1838625, MONDO:0010822, OMIM 600118.
Inborn genetic diseases. Identifiers: MedGen C0950123, MeSH D030342.

Allele frequency attached by ClinVar (database versions not stated): ExAC 0.00003; gnomAD exomes 0.00003; TOPMed 0.00004; gnomAD 0.00005 and 0.00006.
gnomAD v4.1: 57 of 1,614,072 alleles (0.0035%); highest among the groups gnomAD compares: Admixed American, 0.005%; no homozygotes.

Submissions (4):

Ambry Genetics
Classification: Uncertain significance for Inborn genetic diseases. Last evaluated: 2023-04-05. Review status: criteria provided, single submitter. Criteria: Ambry Variant Classification Scheme 2023. Collection method: clinical testing. Allele origin: germline.

Illumina Laboratory Services, Illumina
Classification: Uncertain significance for Warburg micro syndrome 1. Last evaluated: 2018-01-17. Review status: criteria provided, single submitter. Criteria: ICSL Variant Classification Criteria 13 December 2019. Collection method: clinical testing. Allele origin: germline.

GeneDx
Classification: Uncertain significance. Last evaluated: 2017-07-12. Review status: criteria provided, single submitter. Criteria: GeneDx Variant Classification (06012015). Collection method: clinical testing. Allele origin: germline. Affected: yes.
Comment: A variant of uncertain significance has been identified in the RAB3GAP1 gene. The R947C variant has not been published as a pathogenic variant, nor has it been reported as a benign variant to our knowledge. The R947C variant is not observed at a significant frequency in large population cohorts (Lek et al., 2016; 1000 Genomes Consortium et al., 2015; Exome Variant Server). The R947C variant is a non-conservative amino acid substitution, which is likely to impact secondary protein structure as these residues differ in polarity, charge, size and/or other properties. This substitution occurs at a position that is conserved across species, and in silico analysis predicts this variant is probably damaging to the protein structure/function. However, missense variants in nearby residues have not been reported in the Human Gene Mutation Database in association with association with RAB3GAP1-related disorders (Stenson et al., 2014). Therefore, based on the currently available information, it is unclear whether this variant is a pathogenic variant or a rare benign variant.

Genetic Services Laboratory, University of Chicago
Classification: Uncertain significance. Last evaluated: 2015-12-28. Review status: criteria provided, single submitter. Criteria: ACMG Guidelines, 2015. Collection method: clinical testing. Allele origin: germline. Affected: no.

NM_012233.3(RAB3GAP1):c.2839C>T (p.Arg947Cys)

Gene: RAB3GAP1 (RAB3 GTPase activating protein catalytic subunit 1; plus strand). Cytogenetic location: 2q21.3.
Variant type: single nucleotide variant.
Coding change: c.2839C>T on transcript NM_012233.3 (MANE Select); coding-DNA position 2839, C replaced by T.
Protein change: p.Arg947Cys; replaces arginine 947 with cysteine.
Molecular consequence: missense variant.
Genome position (GRCh38, 1-based): chr2:135,168,674, C>T. VCF-style: chr2-135168674-C-T. GRCh37 (hg19) VCF-style: chr2-135926244-C-T.
Other names: c.2860C>T, p.Arg954Cys (NM_001172435.2); short protein forms R947C, R954C.
Identifiers: ClinVar variation 436464 (VCV000436464.12), dbSNP rs751620093, ClinGen allele CA1885210.
Genomic context (GRCh38, chr2:135,168,674, plus strand): 5'-TCCGTGTCAGACTTCCCACCCCCTGCTGGCCGGGAATTCATTTTGCGCACCACTGTGCCG[C>T]GCCCTGCTCCCTACTCCAAAGCTCTGCCTCAGCGGATGTACAGTGTTCTCACCAAAGAGG-3'
Protein context (NP_036365.1, residues 937-957): REFILRTTVP[Arg947Cys]PAPYSKALPQ